The following is an entry in ClinVar:

NM_182972.3(IRF2BP2):c.1180A>C (p.Thr394Pro)

Gene: IRF2BP2 (interferon regulatory factor 2 binding protein 2; minus strand). Cytogenetic location: 1q42.3.
Variant type: single nucleotide variant.
Coding change: c.1180A>C on transcript NM_182972.3 (MANE Select); coding-DNA position 1180, A replaced by C.
Protein change: p.Thr394Pro; replaces threonine 394 with proline.
Molecular consequence: missense variant.
Genome position (GRCh38, 1-based): chr1:234,607,721, T>G on the plus strand (A>C on the coding strand, the complement: IRF2BP2 is on the minus strand). VCF-style: chr1-234607721-T-G. GRCh37 (hg19) VCF-style: chr1-234743467-T-G.
Other names: c.1132A>C, p.Thr378Pro (NM_001077397.1); c.1180A>C (NM_182972.2); short protein forms T378P, T394P.
Identifiers: ClinVar variation 811030 (VCV000811030.16), dbSNP rs138385624, ClinGen allele CA1461622.
Genomic context (GRCh38, chr1:234,607,721, plus strand): 5'-GTGTGGTCCGGTTGGAATGAGGTGAGGCAGTGGGTGGTGGCGGAGACACAAAAGAGGATG[T>G]AGGAGTCATGGGGATCTTGAGCCCCTCTGTGGATGTGGACAGCCACGGCTGGGCCTCTCC-3'
Protein context (NP_892017.2, residues 384-404): TEGLKIPMTP[Thr394Pro]SSFVSPPPPT

ClinVar aggregate classification (germline): Conflicting classifications of pathogenicity. Review status: criteria provided, conflicting classifications (1 of 4 stars). 4 submissions from 4 submitters: Uncertain significance (3); Likely benign (1). Last evaluated 2025-12-08.

Conditions:
IRF2BP2-related disorder. Also called: IRF2BP2-related condition.
Immunodeficiency, common variable, 14. Identifiers: Orphanet 696904, MedGen C4540380, MONDO:0054691, OMIM 617765.

Allele frequency attached by ClinVar (database versions not stated): gnomAD 0.00006; TOPMed 0.00014; ESP Exome Variant Server 0.00015.
gnomAD v4.1: 134 of 1,614,054 alleles (0.0083%); highest among the groups gnomAD compares: Non-Finnish European, 0.011%; no homozygotes.

Submissions (4):

Labcorp Genetics (formerly Invitae), Labcorp
Classification: Uncertain significance. Last evaluated: 2025-12-08. Review status: criteria provided, single submitter. Criteria: Invitae Variant Classification Sherloc (09022015). Collection method: clinical testing. Allele origin: germline.
Comment: This sequence change replaces threonine, which is neutral and polar, with proline, which is neutral and non-polar, at codon 394 of the IRF2BP2 protein (p.Thr394Pro). This variant is present in population databases (rs138385624, gnomAD 0.01%). This missense change has been observed in individual(s) with pediatric acute-onset neuropsychiatric syndrome (PMID: 35538558). ClinVar contains an entry for this variant (Variation ID: 811030). An algorithm developed to predict the effect of missense changes on protein structure and function (PolyPhen-2) suggests that this variant is likely to be disruptive. In summary, the available evidence is currently insufficient to determine the role of this variant in disease. Therefore, it has been classified as a Variant of Uncertain Significance.

PreventionGenetics, part of Exact Sciences
Classification: Uncertain significance for IRF2BP2-related condition. Last evaluated: 2024-12-26. Review status: criteria provided, single submitter. Criteria: ACMG Guidelines, 2015. Collection method: clinical testing. Allele origin: germline.
Comment: The IRF2BP2 c.1180A>C variant is predicted to result in the amino acid substitution p.Thr394Pro. This variant has been reported, along with a loss of function variant in NRLRP12, in an individual with fluctuating neuropsychiatric symptoms, immunoglobulin G1 deficiency, and Crohn's disease (Jyonouchi et al. 2022. PubMed ID: 35538558). This variant is reported in 0.014% of alleles in individuals of European (Non-Finnish) descent in gnomAD. At this time, the clinical significance of this variant is uncertain due to the absence of conclusive functional and genetic evidence.

Blueprint Genetics
Classification: Likely benign. Last evaluated: 2024-09-16. Review status: criteria provided, single submitter. Criteria: ACMG Guidelines, 2015. Collection method: clinical testing. Allele origin: germline.

ARUP Laboratories, Molecular Genetics and Genomics, ARUP Laboratories
Classification: Uncertain significance for Immunodeficiency, common variable, 14. Last evaluated: 2019-09-27. Review status: criteria provided, single submitter. Criteria: ARUP Molecular Germline Variant Investigation Process. Collection method: clinical testing. Allele origin: germline.
Comment: The IRF2BP2 c.1180A>C; p.Thr394Pro variant (rs138385624) has been reported in an individual affected with common variable immunodeficiency (CVID) in an abstract for the American college of allergy, asthma & immunology (ACAAI) 2018 annual scientific meeting (Joseph 2018). A different heterozygous variant in IRF2BP2 (c.1652G>A; p.Ser551Asn) is reported to segregate with disease in a family with CVID, and in vitro functional assays showed a defect in B cell maturation (Keller 2016). The p.Thr394Pro variant is found in the non-Finnish European population with an allele frequency of 0.014% (18/129176 alleles) in the Genome Aggregation Database. The threonine at codon 394 is moderately conserved, and computational analyses (SIFT, PolyPhen-2) predict that this variant is tolerated. Due to limited information, the clinical significance of the p.Thr394Pro variant is uncertain at this time. References: Joseph N et al. A novel mutation of IRF2BP2 gene associated with common variable immunodeficiency and pyoderma. Ann Allergy Asthma Immunol. 2018 Nov;121(5):S63-S134. Keller MD et al. Mutation in IRF2BP2 is responsible for a familial form of common variable immunodeficiency disorder. J Allergy Clin Immunol. 2016 Aug;138(2):544-550.e4.

Literature cited by the submitters: PubMed 35538558 (cited by Labcorp Genetics (formerly Invitae), Labcorp).